The following is an entry in ClinVar:

NM_000282.4(PCCA):c.1404T>G (p.Asp468Glu)

Gene: PCCA (propionyl-CoA carboxylase subunit alpha; plus strand). Cytogenetic location: 13q32.3.
Variant type: single nucleotide variant.
Coding change: c.1404T>G on transcript NM_000282.4 (MANE Select); coding-DNA position 1404, T replaced by G.
Protein change: p.Asp468Glu; replaces aspartic acid 468 with glutamic acid.
Molecular consequence: missense variant. On other transcripts: non-coding transcript variant (5).
Genome position (GRCh38, 1-based): chr13:100,309,883, T>G. VCF-style: chr13-100309883-T-G. GRCh37 (hg19) VCF-style: chr13-100962137-T-G.
Other names: c.1260T>G, p.Asp420Glu (NM_001352606.2); c.1326T>G, p.Asp442Glu (NM_001352607.2, NM_001127692.3); c.1182T>G, p.Asp394Glu (NM_001352608.2); c.1404T>G, p.Asp468Glu (NM_001352609.2, NM_001178004.2, NM_001352605.2); c.459T>G, p.Asp153Glu (NM_001352610.2, NM_001352611.2); c.315T>G, p.Asp105Glu (NM_001352612.2); short protein forms D105E, D153E, D394E, D420E, D468E, D442E.
Identifiers: ClinVar variation 882229 (VCV000882229.6), dbSNP rs769970677, ClinGen allele CA7033640.

ClinVar aggregate classification (germline): Uncertain significance. Review status: criteria provided, multiple submitters, no conflicts (2 of 4 stars). 3 submissions from 3 submitters: Uncertain significance (3). Last evaluated 2025-10-15.

Conditions:
Inborn genetic diseases. Identifiers: MedGen C0950123, MeSH D030342.
Propionic acidemia (PROP). Also called: GLYCINEMIA, KETOTIC; HYPERGLYCINEMIA WITH KETOACIDOSIS AND LEUKOPENIA; KETOTIC HYPERGLYCINEMIA. Identifiers: Orphanet 35, MedGen C0268579, MONDO:0011628, OMIM 606054, HP:0003571.

Allele frequency attached by ClinVar (database versions not stated): gnomAD below 0.00001 and 0.00004; gnomAD exomes 0.00003 and 0.00005; ExAC 0.00006.
gnomAD v4.1: 45 of 1,612,820 alleles (0.0028%); highest among the groups gnomAD compares: South Asian, 0.045%; no homozygotes.

Submissions (3):

Ambry Genetics
Classification: Uncertain significance for Inborn genetic diseases. Last evaluated: 2025-10-15. Review status: criteria provided, single submitter. Criteria: Ambry Variant Classification Scheme 2023. Collection method: clinical testing. Allele origin: germline.

Labcorp Genetics (formerly Invitae), Labcorp
Classification: Uncertain significance for Propionic acidemia. Last evaluated: 2022-08-12. Review status: criteria provided, single submitter. Criteria: Invitae Variant Classification Sherloc (09022015). Collection method: clinical testing. Allele origin: germline.
Comment: This sequence change replaces aspartic acid, which is acidic and polar, with glutamic acid, which is acidic and polar, at codon 468 of the PCCA protein (p.Asp468Glu). This variant is present in population databases (rs769970677, gnomAD 0.04%). This variant has not been reported in the literature in individuals affected with PCCA-related conditions. ClinVar contains an entry for this variant (Variation ID: 882229). Advanced modeling of protein sequence and biophysical properties (such as structural, functional, and spatial information, amino acid conservation, physicochemical variation, residue mobility, and thermodynamic stability) performed at Invitae indicates that this missense variant is not expected to disrupt PCCA protein function. In summary, the available evidence is currently insufficient to determine the role of this variant in disease. Therefore, it has been classified as a Variant of Uncertain Significance.

Illumina Laboratory Services, Illumina
Classification: Uncertain significance for Propionic acidemia. Last evaluated: 2018-01-13. Review status: criteria provided, single submitter. Criteria: ICSL Variant Classification Criteria 13 December 2019. Collection method: clinical testing. Allele origin: germline.